The following is an entry in ClinVar:

ClinVar aggregate classification (germline): Likely benign. Review status: criteria provided, single submitter (1 of 4 stars). 2 submissions from 2 submitters: Likely benign (1). 1 of the submissions does not count toward it. Last evaluated 2025-10-16.

Conditions:
MID1-related disorder. Also called: MID1-related condition.

Allele frequency attached by ClinVar (database versions not stated): gnomAD exomes below 0.00001; gnomAD 0.00002; TOPMed 0.00003.
gnomAD v4.1: 4 of 1,210,225 alleles (0.00033%); highest among the groups gnomAD compares: African/African-American, 0.007%; no homozygotes.

Submissions (2):

Labcorp Genetics (formerly Invitae), Labcorp
Classification: Likely benign. Last evaluated: 2025-10-16. Review status: criteria provided, single submitter. Criteria: Invitae Variant Classification Sherloc (09022015). Collection method: clinical testing. Allele origin: germline.

PreventionGenetics, part of Exact Sciences
Classification: Likely benign for MID1-related condition. Last evaluated: 2023-06-05. Review status: no assertion criteria provided. Collection method: clinical testing. Allele origin: germline. Not counted in ClinVar's aggregate classification.
Comment: This variant is classified as likely benign based on ACMG/AMP sequence variant interpretation guidelines (Richards et al. 2015 PMID: 25741868, with internal and published modifications).

NM_000381.4(MID1):c.1848C>A (p.Ala616=)

Genes: MID1 (midline 1; minus strand), LOC126863207 (BRD4-independent group 4 enhancer GRCh37_chrX:10416979-10418178; plus strand). Cytogenetic location: Xp22.2.
Variant type: single nucleotide variant.
Coding change: c.1848C>A on transcript NM_000381.4 (MANE Select); coding-DNA position 1848, C replaced by A.
Protein change: p.Ala616=; no amino-acid change (alanine 616 retained).
Molecular consequence: synonymous variant.
Genome position (GRCh38, 1-based): chrX:10,449,524, G>T on the plus strand (C>A on the coding strand, the complement: MID1 is on the minus strand). VCF-style: chrX-10449524-G-T. GRCh37 (hg19) VCF-style: chrX-10417564-G-T.
Other names: c.1848C>A, p.Ala616= (NM_001098624.2, NM_001193277.1, NM_001347733.2 and 1 more transcripts); c.1734C>A, p.Ala578= (NM_033289.2); c.1848C>A (NM_000381.3).
Identifiers: ClinVar variation 2875463 (VCV002875463.5), dbSNP rs1463882129, ClinGen allele CA515629138.